The following is an entry in ClinVar:

ClinVar aggregate classification (germline): Conflicting classifications of pathogenicity. Review status: criteria provided, conflicting classifications (1 of 4 stars). 6 submissions from 6 submitters: Uncertain significance (1); Likely benign (4). 1 of the submissions does not count toward it. Last evaluated 2025-06-10.

Conditions:
PLEC-related disorder. Also called: PLEC-related condition; PLEC-related disorders.
Inborn genetic diseases. Identifiers: MedGen C0950123, MeSH D030342.
Epidermolysis bullosa simplex with nail dystrophy (EBS5D). Identifiers: MedGen C4225309, MONDO:0014661, OMIM 616487.
Epidermolysis bullosa simplex 5B, with muscular dystrophy (EBS5B). Also called: EPIDERMOLYSIS BULLOSA SIMPLEX AND LIMB-GIRDLE MUSCULAR DYSTROPHY; Epidermolysis bullosa simplex with muscular dystrophy. Identifiers: Orphanet 257, MedGen C2931072, MONDO:0009181, OMIM 226670.
Autosomal recessive limb-girdle muscular dystrophy type 2Q (LGMDR17). Also called: MUSCULAR DYSTROPHY, LIMB-GIRDLE, AUTOSOMAL RECESSIVE 17. Identifiers: Orphanet 254361, MedGen C3150989, MONDO:0013390, OMIM 613723.
Epidermolysis bullosa simplex, Ogna type (EBS5A). Also called: Pidermolysis bullosa simplex 5A, Ogna type; EPIDERMOLYSIS BULLOSA SIMPLEX 5A, OGNA TYPE. Identifiers: Orphanet 79401, MedGen C0432317, MONDO:0007555, OMIM 131950.
Epidermolysis bullosa simplex 5C, with pyloric atresia (EBS5C). Also called: Epidermolysis bullosa simplex with pyloric atresia; PLEC-Related Epidermolysis Bullosa with Pyloric Atresia; PLEC1-Related Epidermolysis Bullosa with Pyloric Atresia. Identifiers: Orphanet 158684, MedGen C2677349, MONDO:0012807, OMIM 612138.

Allele frequency attached by ClinVar (database versions not stated): gnomAD 0.00003 and 0.00009; TOPMed 0.00007; gnomAD exomes 0.00022; ExAC 0.00025; 1000 Genomes Project 30x 0.00062; 1000 Genomes Project 0.00080.
gnomAD v4.1: 197 of 1,614,020 alleles (0.012%); highest among the groups gnomAD compares: South Asian, 0.14%; 2 homozygotes.

Submissions (6):

Ambry Genetics
Classification: Uncertain significance for Inborn genetic diseases. Last evaluated: 2025-06-10. Review status: criteria provided, single submitter. Criteria: Ambry Variant Classification Scheme 2023. Collection method: clinical testing. Allele origin: germline.

Labcorp Genetics (formerly Invitae), Labcorp
Classification: Likely benign for Autosomal recessive limb-girdle muscular dystrophy type 2Q; Epidermolysis bullosa simplex, Ogna type; Epidermolysis bullosa simplex with nail dystrophy; Epidermolysis bullosa simplex 5C, with pyloric atresia; Epidermolysis bullosa simplex 5B, with muscular dystrophy. Last evaluated: 2025-04-29. Review status: criteria provided, single submitter. Criteria: Invitae Variant Classification Sherloc (09022015). Collection method: clinical testing. Allele origin: germline.

Blueprint Genetics
Classification: Likely benign. Last evaluated: 2024-09-30. Review status: criteria provided, single submitter. Criteria: ACMG Guidelines, 2015. Collection method: clinical testing. Allele origin: germline.

Revvity Omics, Revvity
Classification: Likely benign. Last evaluated: 2023-08-07. Review status: criteria provided, single submitter. Criteria: ACMG Guidelines, 2015. Collection method: clinical testing. Allele origin: germline.

GeneDx
Classification: Likely benign. Last evaluated: 2018-08-29. Review status: criteria provided, single submitter. Criteria: GeneDx Variant Classification (06012015). Collection method: clinical testing. Allele origin: germline. Affected: yes.

PreventionGenetics, part of Exact Sciences
Classification: Likely benign for PLEC-related condition. Last evaluated: 2024-08-20. Review status: no assertion criteria provided. Collection method: clinical testing. Allele origin: germline. Not counted in ClinVar's aggregate classification.
Comment: This variant is classified as likely benign based on ACMG/AMP sequence variant interpretation guidelines (Richards et al. 2015 PMID: 25741868, with internal and published modifications).

NM_201384.3(PLEC):c.8531C>T (p.Ala2844Val)

Gene: PLEC (plectin; minus strand). Cytogenetic location: 8q24.3.
Variant type: single nucleotide variant.
Coding change: c.8531C>T on transcript NM_201384.3 (MANE Select); coding-DNA position 8531, C replaced by T.
Protein change: p.Ala2844Val; replaces alanine 2844 with valine.
Molecular consequence: missense variant.
Genome position (GRCh38, 1-based): chr8:143,921,290, G>A on the plus strand (C>T on the coding strand, the complement: PLEC is on the minus strand). VCF-style: chr8-143921290-G-A. GRCh37 (hg19) VCF-style: chr8-144995458-G-A.
Other names: c.8612C>T (NM_000445.4); c.8612C>T, p.Ala2871Val (NM_000445.5); c.8489C>T, p.Ala2830Val (NM_201378.4); c.8465C>T, p.Ala2822Val (NM_201379.3); c.8942C>T, p.Ala2981Val (NM_201380.4); c.8435C>T, p.Ala2812Val (NM_201381.3); c.8531C>T, p.Ala2844Val (NM_201382.4); c.8543C>T, p.Ala2848Val (NM_201383.3); short protein forms A2812V, A2822V, A2830V, A2844V, A2848V, A2871V, A2981V.
Identifiers: ClinVar variation 1174478 (VCV001174478.15), dbSNP rs550856659, ClinGen allele CA4925274.